The following is an entry in ClinVar:

NM_001013703.4(EIF2AK4):c.3008del (p.Pro1003fs)

Gene: EIF2AK4 (eukaryotic translation initiation factor 2 alpha kinase 4; plus strand). Cytogenetic location: 15q15.1.
Variant type: Deletion.
Coding change: c.3008del on transcript NM_001013703.4 (MANE Select); coding-DNA position 3008, one base deleted (C; older notation c.3008delC).
Protein change: p.Pro1003fs; shifts the reading frame from proline 1003.
Molecular consequence: frameshift variant.
Genome position (GRCh38, 1-based): chr15:40,001,073, C deleted; the last of 5 consecutive C bases (chr15:40,001,069-40,001,073); deleting any one gives the same sequence. VCF-style (leftmost placement, unchanged base first): chr15-40001068-GC-G. GRCh37 (hg19) VCF-style: chr15-40293269-GC-G.
Other names: short protein forms P1003fs.
Identifiers: ClinVar variation 4890859 (VCV004890859.1).

ClinVar aggregate classification (germline): Pathogenic (1 of 4 stars; one submission).

Conditions:
Familial pulmonary capillary hemangiomatosis (PVOD2). Also called: Pulmonary venoocclusive disease 2, autosomal recessive; Pulmonary venoocclusive disease 2. Identifiers: Orphanet 199241, MedGen C0340848, MONDO:0009329, OMIM 234810.

Submission:

Department of Molecular and Human Genetics, Shanxi University
Classification: Pathogenic for Familial pulmonary capillary hemangiomatosis. Last evaluated: 2026-08-31. Review status: criteria provided, single submitter. Criteria: ACMG Guidelines, 2015. Collection method: clinical testing. Allele origin: paternal. Affected: yes.
Comment: Pathogenicity of the two variants was evaluated in accordance with the 2015 ACMG guidelines. The EIF2AK4 c.3008del (p.Pro1003HisfsTer17) frameshift variant was classified as pathogenic.